The following is an entry in ClinVar:

NM_020975.6(RET):c.100G>A (p.Asp34Asn)

Gene: RET (ret proto-oncogene; plus strand). Cytogenetic location: 10q11.21.
Variant type: single nucleotide variant.
Coding change: c.100G>A on transcript NM_020975.6 (MANE Select); coding-DNA position 100, G replaced by A.
Protein change: p.Asp34Asn; replaces aspartic acid 34 with asparagine.
Molecular consequence: missense variant.
Genome position (GRCh38, 1-based): chr10:43,100,485, G>A. VCF-style: chr10-43100485-G-A. GRCh37 (hg19) VCF-style: chr10-43595933-G-A.
Other names: c.100G>A, p.Asp34Asn (NM_000323.2, NM_001406743.1, NM_001406744.1 and 34 more transcripts); short protein forms D34N.
Identifiers: ClinVar variation 1363081 (VCV001363081.10), dbSNP rs1837613489, ClinGen allele CA376770087.
Genomic context (GRCh38, chr10:43,100,485, plus strand): 5'-CACCATCCCTCACTCACTTCCCTACTTCCCACAGTGGCATTGGGCCTCTACTTCTCGAGG[G>A]ATGCTTACTGGGAGAAGCTGTATGTGGACCAGGCAGCCGGCACGCCCTTGCTGTACGTCC-3'
Protein context (NP_066124.1, residues 24-44): KVALGLYFSR[Asp34Asn]AYWEKLYVDQ

ClinVar aggregate classification (germline): Conflicting classifications of pathogenicity. Review status: criteria provided, conflicting classifications (1 of 4 stars). 2 submissions from 2 submitters: Uncertain significance (1); Likely benign (1). Last evaluated 2025-05-20.

Conditions:
Hereditary cancer-predisposing syndrome. Also called: Neoplastic Syndromes, Hereditary; Tumor predisposition; Hereditary neoplastic syndrome; Hereditary Cancer Syndrome. Identifiers: Orphanet 140162, MedGen C0027672, MeSH D009386, MONDO:0015356.
Multiple endocrine neoplasia, type 2 (MEN2). Identifiers: Orphanet 653, MedGen C4048306, MONDO:0019003. Disease mechanism: gain of function.

Submissions (2):

Ambry Genetics
Classification: Likely benign for Hereditary cancer-predisposing syndrome. Last evaluated: 2025-05-20. Review status: criteria provided, single submitter. Criteria: Ambry Variant Classification Scheme 2023. Collection method: clinical testing. Allele origin: germline.

Labcorp Genetics (formerly Invitae), Labcorp
Classification: Uncertain significance for Multiple endocrine neoplasia, type 2. Last evaluated: 2021-06-30. Review status: criteria provided, single submitter. Criteria: Invitae Variant Classification Sherloc (09022015). Collection method: clinical testing. Allele origin: germline.
Comment: This variant is not present in population databases (ExAC no frequency). This sequence change replaces aspartic acid with asparagine at codon 34 of the RET protein (p.Asp34Asn). The aspartic acid residue is weakly conserved and there is a small physicochemical difference between aspartic acid and asparagine. This variant has not been reported in the literature in individuals with RET-related conditions. Algorithms developed to predict the effect of missense changes on protein structure and function (SIFT, PolyPhen-2, Align-GVGD) all suggest that this variant is likely to be tolerated, but these predictions have not been confirmed by published functional studies and their clinical significance is uncertain. In summary, the available evidence is currently insufficient to determine the role of this variant in disease. Therefore, it has been classified as a Variant of Uncertain Significance.